The following is an entry in ClinVar:

ClinVar aggregate classification (germline): Likely benign (0 of 4 stars; one submission).

Conditions:
ACTG1-related disorder. Also called: ACTG1-related disorders; ACTG1-related condition.

Allele frequency attached by ClinVar (database versions not stated): gnomAD exomes below 0.00001; TOPMed below 0.00001.
gnomAD v4.1: 4 of 1,613,270 alleles (0.00025%); highest among the groups gnomAD compares: East Asian, 0.0022%; no homozygotes.

Submission:

PreventionGenetics, part of Exact Sciences
Classification: Likely benign for ACTG1-related condition. Last evaluated: 2023-11-22. Review status: no assertion criteria provided. Collection method: clinical testing. Allele origin: germline.
Comment: This variant is classified as likely benign based on ACMG/AMP sequence variant interpretation guidelines (Richards et al. 2015 PMID: 25741868, with internal and published modifications).

NM_001614.5(ACTG1):c.985-8C>T

Gene: ACTG1 (actin gamma 1; minus strand). Cytogenetic location: 17q25.3.
Variant type: single nucleotide variant.
Coding change: c.985-8C>T on transcript NM_001614.5 (MANE Select); 8 bases into the intron before coding-DNA position 985, C replaced by T.
Molecular consequence: intron variant.
Genome position (GRCh38, 1-based): chr17:81,510,841, G>A on the plus strand (C>T on the coding strand, the complement: ACTG1 is on the minus strand). VCF-style: chr17-81510841-G-A. GRCh37 (hg19) VCF-style: chr17-79477867-G-A.
Other names: c.985-8C>T (NM_001199954.3).
Identifiers: ClinVar variation 3059636 (VCV003059636.2), dbSNP rs1598547000, ClinGen allele CA2278539400.